The following is an entry in ClinVar:

ClinVar aggregate classification (germline): Uncertain significance (1 of 4 stars; one submission).

Allele frequency attached by ClinVar (database versions not stated): gnomAD exomes 0.00001.

Submission:

CeGaT Center for Human Genetics Tuebingen
Classification: Uncertain significance. Last evaluated: 2024-01-01. Review status: criteria provided, single submitter. Criteria: CeGaT Center For Human Genetics Tuebingen Variant Classification Criteria Version 2. Collection method: clinical testing. Allele origin: germline. Affected: yes. Observed: 1 variant allele.
Comment: SBF1: PM2, BP4

NM_002972.4(SBF1):c.2088C>T (p.Ala696=)

Gene: SBF1 (SET binding factor 1; minus strand). Cytogenetic location: 22q13.33.
Variant type: single nucleotide variant.
Coding change: c.2088C>T on transcript NM_002972.4 (MANE Select); coding-DNA position 2088, C replaced by T.
Protein change: p.Ala696=; no amino-acid change (alanine 696 retained).
Molecular consequence: synonymous variant.
Genome position (GRCh38, 1-based): chr22:50,462,598, G>A on the plus strand (C>T on the coding strand, the complement: SBF1 is on the minus strand). VCF-style: chr22-50462598-G-A. GRCh37 (hg19) VCF-style: chr22-50901027-G-A.
Other names: c.2091C>T, p.Ala697= (NM_001365819.1, NM_001410794.1); c.2088C>T, p.Ala696= (NM_001410795.1, NM_197971.1).
Identifiers: ClinVar variation 3026414 (VCV003026414.22), dbSNP rs1414014035, ClinGen allele CA515383889.